The following is an entry in ClinVar:

ClinVar aggregate classification (germline): Uncertain significance (1 of 4 stars; one submission).

gnomAD v4.1: 5 of 1,614,124 alleles (0.00031%); highest among the groups gnomAD compares: Non-Finnish European, 0.00042%; no homozygotes.

Submission:

Labcorp Genetics (formerly Invitae), Labcorp
Classification: Uncertain significance. Last evaluated: 2024-11-24. Review status: criteria provided, single submitter. Criteria: Invitae Variant Classification Sherloc (09022015). Collection method: clinical testing. Allele origin: germline.
Comment: This sequence change replaces arginine, which is basic and polar, with histidine, which is basic and polar, at codon 376 of the MAP3K8 protein (p.Arg376His). This variant is not present in population databases (gnomAD no frequency). This variant has not been reported in the literature in individuals affected with MAP3K8-related conditions. An algorithm developed to predict the effect of missense changes on protein structure and function (PolyPhen-2) suggests that this variant is likely to be disruptive. In summary, the available evidence is currently insufficient to determine the role of this variant in disease. Therefore, it has been classified as a Variant of Uncertain Significance.

NM_005204.4(MAP3K8):c.1127G>A (p.Arg376His)

Gene: MAP3K8 (mitogen-activated protein kinase kinase kinase 8; plus strand). Cytogenetic location: 10p11.23.
Variant type: single nucleotide variant.
Coding change: c.1127G>A on transcript NM_005204.4 (MANE Select); coding-DNA position 1127, G replaced by A.
Protein change: p.Arg376His; replaces arginine 376 with histidine.
Molecular consequence: missense variant.
Genome position (GRCh38, 1-based): chr10:30,459,355, G>A. VCF-style: chr10-30459355-G-A. GRCh37 (hg19) VCF-style: chr10-30748284-G-A.
Other names: c.1127G>A, p.Arg376His (NM_001244134.1, NM_001320961.2); short protein forms R376H.
Identifiers: ClinVar variation 3713240 (VCV003713240.2).